The following is an entry in ClinVar:

NM_003072.5(SMARCA4):c.1210C>T (p.Leu404Phe)

Gene: SMARCA4 (SWI/SNF related BAF chromatin remodeling complex subunit ATPase 4; plus strand). Cytogenetic location: 19p13.2.
Variant type: single nucleotide variant.
Coding change: c.1210C>T on transcript NM_003072.5 (MANE Select); coding-DNA position 1210, C replaced by T.
Protein change: p.Leu404Phe; replaces leucine 404 with phenylalanine.
Molecular consequence: missense variant. On other transcripts: non-coding transcript variant (1).
Genome position (GRCh38, 1-based): chr19:10,989,408, C>T. VCF-style: chr19-10989408-C-T. GRCh37 (hg19) VCF-style: chr19-11100084-C-T.
Other names: c.1210C>T, p.Leu404Phe (NM_001128844.3, NM_001128845.2, NM_001128846.2 and 6 more transcripts); c.1210C>T (NM_001128849.1); short protein forms L404F.
Identifiers: ClinVar variation 1713292 (VCV001713292.6), dbSNP rs2145849301, ClinGen allele CA404059707.
Genomic context (GRCh38, chr19:10,989,408, plus strand): 5'-GAACTTGAAAACCTTCCCGGGTCCCTGGCCGGGGATTTGCGAACCAAAGCGACCATTGAG[C>T]TCAAGGCCCTCAGGCTGCTGAACTTCCAGAGGCAGGTGGGTGCTGGCATGGCCGCAGCTT-3'
Protein context (NP_003063.2, residues 394-414): GDLRTKATIE[Leu404Phe]KALRLLNFQR

ClinVar aggregate classification (germline): Uncertain significance. Review status: criteria provided, multiple submitters, no conflicts (2 of 4 stars). 2 submissions from 2 submitters: Uncertain significance (2). Last evaluated 2025-05-19.

Conditions:
Hereditary cancer-predisposing syndrome. Also called: Neoplastic Syndromes, Hereditary; Tumor predisposition; Hereditary Cancer Syndrome; Hereditary neoplastic syndrome. Identifiers: Orphanet 140162, MedGen C0027672, MeSH D009386, MONDO:0015356.
Rhabdoid tumor predisposition syndrome 2 (RTPS2). Identifiers: Orphanet 231108, Orphanet 69077, MedGen C2750074, MONDO:0013224, OMIM 613325.

Submissions (2):

Ambry Genetics
Classification: Uncertain significance for Hereditary cancer-predisposing syndrome. Last evaluated: 2025-05-19. Review status: criteria provided, single submitter. Criteria: Ambry Variant Classification Scheme 2023. Collection method: clinical testing. Allele origin: germline.
Comment: The p.L404F variant (also known as c.1210C>T), located in coding exon 6 of the SMARCA4 gene, results from a C to T substitution at nucleotide position 1210. The leucine at codon 404 is replaced by phenylalanine, an amino acid with highly similar properties. This amino acid position is conserved. In addition, this alteration is predicted to be tolerated by in silico analysis. Based on the available evidence, the clinical significance of this variant remains unclear.

Labcorp Genetics (formerly Invitae), Labcorp
Classification: Uncertain significance for Rhabdoid tumor predisposition syndrome 2. Last evaluated: 2022-07-22. Review status: criteria provided, single submitter. Criteria: Invitae Variant Classification Sherloc (09022015). Collection method: clinical testing. Allele origin: germline.
Comment: In summary, the available evidence is currently insufficient to determine the role of this variant in disease. Therefore, it has been classified as a Variant of Uncertain Significance. Algorithms developed to predict the effect of missense changes on protein structure and function are either unavailable or do not agree on the potential impact of this missense change (SIFT: "Deleterious"; PolyPhen-2: "Possibly Damaging"; Align-GVGD: "Class C15"). This variant has not been reported in the literature in individuals affected with SMARCA4-related conditions. This variant is not present in population databases (gnomAD no frequency). This sequence change replaces leucine, which is neutral and non-polar, with phenylalanine, which is neutral and non-polar, at codon 404 of the SMARCA4 protein (p.Leu404Phe).